The following is an entry in ClinVar:

ClinVar aggregate classification (germline): Pathogenic. Review status: reviewed by expert panel (3 of 4 stars). 5 submissions from 5 submitters: Pathogenic (1). 4 of the submissions do not count toward it. Last evaluated 2023-11-14.

Conditions:
Severe combined immunodeficiency disease. Also called: Severe combined immunodeficiency; Severe Combined Immune Deficiency. Identifiers: Orphanet 183660, MedGen C0085110, MeSH D016511, MONDO:0015974, HP:0004430. Inheritance: X-Linked or Autosomal recessive.
Immunodeficiency 104. Also called: SCID, AUTOSOMAL RECESSIVE, T CELL-NEGATIVE, B CELL-POSITIVE, NK CELL-POSITIVE; IMMUNODEFICIENCY 104, SEVERE COMBINED; Severe combined immunodeficiency, autosomal recessive, T cell-negative, B cell-positive, NK cell-positive; Severe Combined Immune Deficiency, Autosomal Recessive, TCell -Negative, B Cell-Positive, NK Cell-Positive, IL7R-Related. Identifiers: MedGen C5676890, MONDO:0012163, OMIM 608971.

Allele frequency attached by ClinVar (database versions not stated): gnomAD 0.00001.
gnomAD v4.1: 4 of 1,613,870 alleles (0.00025%); highest among the groups gnomAD compares: Admixed American, 0.0067%; no homozygotes.

Submissions (5):

ClinGen Severe Combined Immunodeficiency Variant Curation Expert Panel, ClinGen
Classification: Pathogenic for Immunodeficiency 104. Last evaluated: 2023-11-14. Review status: reviewed by expert panel. Criteria: ClinGen SCID ACMG Specifications IL7R V1.0.0. Collection method: curation. Allele origin: germline. Inheritance: Autosomal recessive inheritance.
Comment: The c.662G>T (NM_002185.5) variant in IL7R is a missense variant predicted to cause substitution of Serine by Isoleucine at amino acid 221 (p.Ser221Ile). This variant is absent from gnomAD v2.1.1 (PM2_Supporting). PMID 17201233: Twin B was diagnosed with SCID and was homozygous for this variant. A fraternal twin A with SCID was also reported, but the genotype of this twin was not reported. PMID 18641513: Three individuals were diagnosed with SCID and were homozygous for this variant. This variant has been detected in 7 individuals with SCID. Four individuals were homozygous for the variant (1pt maximum, PMIDs 17201233, 18641513). Two individuals recorded in the Invitae internal database were heterozygous for this variant and a c.83-2A>T variant. The c.83-2A>T variant is classified as pathogenic following the SCID-VCEP specification. The trans phase was confirmed in one patient but not the other (1.5pt in total). One individual, also from Invitae internal database, was heterozygous for this variant and a c.707-2A>G variant. The c.707-2A>G variant is classified as a pathogenic variant following the SCID-VCEP specification. The trans phase was not confirmed in this patient (0.5pt). 4pt in total, PM3_very strong is met. A comprehensive SCID and CID panel did not identify an alternative cause of the disease. 1.25pt for PP4 and PP4 is met (PP4). In summary, this variant meets the criteria to be classified as pathogenic for SCID. ACMG/AMP criteria applied, as specified by the ClinGen SCID-VCEP: PM2_Supporting, PM3_Very strong, PP4. (VCEP specifications version 1).

Labcorp Genetics (formerly Invitae), Labcorp
Classification: Pathogenic for Immunodeficiency 104. Last evaluated: 2025-06-27. Review status: criteria provided, single submitter. Criteria: Invitae Variant Classification Sherloc (09022015). Collection method: clinical testing. Allele origin: germline. Not counted in ClinVar's aggregate classification.
Comment: This sequence change replaces serine, which is neutral and polar, with isoleucine, which is neutral and non-polar, at codon 221 of the IL7R protein (p.Ser221Ile). This variant is not present in population databases (gnomAD no frequency). This missense change has been observed in individual(s) with severe combined immunodeficiency (SCID) (PMID: 17201233, 18641513; internal data). In at least one individual the data is consistent with being in trans (on the opposite chromosome) from a pathogenic variant. ClinVar contains an entry for this variant (Variation ID: 134528). Invitae Evidence Modeling of protein sequence and biophysical properties (such as structural, functional, and spatial information, amino acid conservation, physicochemical variation, residue mobility, and thermodynamic stability) indicates that this missense variant is expected to disrupt IL7R protein function with a positive predictive value of 95%. For these reasons, this variant has been classified as Pathogenic.

Women's Health and Genetics/Laboratory Corporation of America, LabCorp
Classification: Pathogenic for Severe combined immunodeficiency disease. Last evaluated: 2023-11-20. Review status: criteria provided, single submitter. Criteria: LabCorp Variant Classification Summary - May 2015. Collection method: clinical testing. Allele origin: germline. Not counted in ClinVar's aggregate classification.
Comment: Variant summary: IL7R c.662G>T (p.Ser221Ile) results in a non-conservative amino acid change in the encoded protein sequence. Five of five in-silico tools predict a damaging effect of the variant on protein function. The variant was absent in 250914 control chromosomes. c.662G>T has been reported in the literature in multiple individuals affected with Severe Combined Immunodeficiency (example, Lebet_2008, Ponda_2006). These data indicate that the variant is very likely to be associated with disease. The following publications have been ascertained in the context of this evaluation (PMID: 17201233, 18641513). Two submitters have cited clinical-significance assessments for this variant to ClinVar after 2014. All submitters classified the variant as pathogenic/likely pathogenic. Based on the evidence outlined above, the variant was classified as pathogenic.

GeneDx
Classification: Likely pathogenic. Last evaluated: 2022-11-11. Review status: criteria provided, single submitter. Criteria: GeneDx Variant Classification Process June 2021. Collection method: clinical testing. Allele origin: germline. Affected: yes. Not counted in ClinVar's aggregate classification.
Comment: Not observed at significant frequency in large population cohorts (gnomAD); In silico analysis supports that this missense variant has a deleterious effect on protein structure/function; Also known as p.(S201I); This variant is associated with the following publications: (PMID: 8617735, 15661025, 19141282, 18641513, 31817502, 17201233)

ITMI
No classification provided. Condition: AllHighlyPenetrant. Last evaluated: 2013-09-19. Review status: no classification provided. Collection method: reference population. Allele origin: germline. Not counted in ClinVar's aggregate classification.
Comment: Please see associated publication for description of ethnicities

Literature cited by the submitters: PubMed 17201233 (cited by Labcorp Genetics (formerly Invitae), Labcorp and Women's Health and Genetics/Laboratory Corporation of America, LabCorp); PubMed 18641513 (cited by Labcorp Genetics (formerly Invitae), Labcorp and Women's Health and Genetics/Laboratory Corporation of America, LabCorp); PubMed 24728327 (cited by ITMI).

NM_002185.5(IL7R):c.662G>T (p.Ser221Ile)

Gene: IL7R (interleukin 7 receptor; plus strand). Cytogenetic location: 5p13.2.
Variant type: single nucleotide variant.
Coding change: c.662G>T on transcript NM_002185.5 (MANE Select); coding-DNA position 662, G replaced by T.
Protein change: p.Ser221Ile; replaces serine 221 with isoleucine.
Molecular consequence: missense variant.
Genome position (GRCh38, 1-based): chr5:35,873,604, G>T. VCF-style: chr5-35873604-G-T. GRCh37 (hg19) VCF-style: chr5-35873706-G-T.
Other names: NM_002185.5(IL7R):c.662G>T; p.Ser221Ile; c.662G>T (LRG_74t1); short protein forms S221I.
Identifiers: ClinVar variation 134528 (VCV000134528.12), dbSNP rs587778405, ClinGen allele CA160099.